The following is an entry in ClinVar:

NM_080680.3(COL11A2):c.2797G>A (p.Ala933Thr)

Gene: COL11A2 (collagen type XI alpha 2 chain; minus strand). Cytogenetic location: 6p21.32.
Variant type: single nucleotide variant.
Coding change: c.2797G>A on transcript NM_080680.3 (MANE Select); coding-DNA position 2797, G replaced by A.
Protein change: p.Ala933Thr; replaces alanine 933 with threonine.
Molecular consequence: missense variant.
Genome position (GRCh38, 1-based): chr6:33,172,631, C>T on the plus strand (G>A on the coding strand, the complement: COL11A2 is on the minus strand). VCF-style: chr6-33172631-C-T. GRCh37 (hg19) VCF-style: chr6-33140408-C-T.
Other names: c.2476G>A, p.Ala826Thr (NM_080679.3); c.2539G>A, p.Ala847Thr (NM_080681.3); short protein forms A933T, A826T, A847T.
Identifiers: ClinVar variation 288142 (VCV000288142.8), dbSNP rs886043811, ClinGen allele CA10605979.

ClinVar aggregate classification (germline): Uncertain significance. Review status: criteria provided, multiple submitters, no conflicts (2 of 4 stars). 2 submissions from 2 submitters: Uncertain significance (2). Last evaluated 2021-11-20.

gnomAD v4.1: 2 of 1,612,168 alleles (0.00012%); highest among the groups gnomAD compares: South Asian, 0.0011%; no homozygotes.

Submissions (2):

Labcorp Genetics (formerly Invitae), Labcorp
Classification: Uncertain significance. Last evaluated: 2021-11-20. Review status: criteria provided, single submitter. Criteria: Invitae Variant Classification Sherloc (09022015). Collection method: clinical testing. Allele origin: germline.
Comment: This sequence change replaces alanine, which is neutral and non-polar, with threonine, which is neutral and polar, at codon 933 of the COL11A2 protein (p.Ala933Thr). This variant is not present in population databases (gnomAD no frequency). This variant has not been reported in the literature in individuals affected with COL11A2-related conditions. ClinVar contains an entry for this variant (Variation ID: 288142). Advanced modeling of protein sequence and biophysical properties (such as structural, functional, and spatial information, amino acid conservation, physicochemical variation, residue mobility, and thermodynamic stability) performed at Invitae indicates that this missense variant is not expected to disrupt COL11A2 protein function. In summary, the available evidence is currently insufficient to determine the role of this variant in disease. Therefore, it has been classified as a Variant of Uncertain Significance.

Eurofins Ntd Llc (ga)
Classification: Uncertain significance. Last evaluated: 2016-06-30. Review status: criteria provided, single submitter. Criteria: EGL Classification Definitions 2015. Collection method: clinical testing. Allele origin: germline. Observed: 2 variant alleles, 2 heterozygotes.